The following is an entry in ClinVar:

NM_001386140.1(MTTP):c.1279_1280delinsGTGATTTTTTTTTTAA (p.Thr427fs)

Gene: MTTP (microsomal triglyceride transfer protein; plus strand). Cytogenetic location: 4q23.
Variant type: Indel.
Coding change: c.1279_1280delinsGTGATTTTTTTTTTAA on transcript NM_001386140.1 (MANE Select); coding-DNA positions 1279 to 1280, AC replaced by GTGATTTTTTTTTTAA.
Protein change: p.Thr427fs; shifts the reading frame from threonine 427.
Molecular consequence: frameshift variant.
Genome position (GRCh38, 1-based): chr4:99,601,649-99,601,650, AC replaced by GTGATTTTTTTTTTAA. VCF-style: chr4-99601649-AC-GTGATTTTTTTTTTAA. GRCh37 (hg19) VCF-style: chr4-100522806-AC-GTGATTTTTTTTTTAA.
Other names: c.1279_1280delinsGTGATTTTTTTTTTAA, p.Thr427fs (NM_000253.4); c.1030_1031delinsGTGATTTTTTTTTTAA, p.Thr344fs (NM_001300785.2); short protein forms T344fs, T427fs.
Identifiers: ClinVar variation 5011277 (VCV005011277.1).

ClinVar aggregate classification (germline): Pathogenic (1 of 4 stars; one submission).

Conditions:
Abetalipoproteinaemia (ABL). Also called: MTP DEFICIENCY; Abetalipoproteinemia; Abetalipoproteinemia neuropathy; Apolipoprotein B deficiency; Congenital betalipoprotein deficiency syndrome. Identifiers: Orphanet 14, MedGen C0000744, MONDO:0008692, OMIM 200100, HP:0008181.

Submission:

Myriad Genetics, Inc.
Classification: Pathogenic for Abetalipoproteinaemia. Last evaluated: 2023-08-09. Review status: criteria provided, single submitter. Criteria: Myriad Autosomal Dominant, Autosomal Recessive and X-Linked Classification Criteria (2023). Collection method: clinical testing. Allele origin: unknown.
Comment: NM_000253.2(MTTP):c.1279_1280del2ins16(T427Vfs*8) is expected to be pathogenic in the context of abetalipoproteinemia. This variant is predicted to lead to an abnormal or absent protein product due to the creation of a premature termination codon in MTTP, a gene where loss-of-function variants are known to be pathogenic. Please note: this variant was assessed in the context of healthy population screening.